The following is an entry in ClinVar:

NM_006015.6(ARID1A):c.4602C>G (p.His1534Gln)

Gene: ARID1A (AT-rich interaction domain 1A; plus strand). Cytogenetic location: 1p36.11.
Variant type: single nucleotide variant.
Coding change: c.4602C>G on transcript NM_006015.6 (MANE Select); coding-DNA position 4602, C replaced by G.
Protein change: p.His1534Gln; replaces histidine 1534 with glutamine.
Molecular consequence: missense variant. On other transcripts: intron variant (1).
Genome position (GRCh38, 1-based): chr1:26,774,829, C>G. VCF-style: chr1-26774829-C-G. GRCh37 (hg19) VCF-style: chr1-27101320-C-G.
Other names: c.4102-151C>G (NM_139135.4); short protein forms H1534Q.
Identifiers: ClinVar variation 3365852 (VCV003365852.1).

ClinVar aggregate classification (germline): Uncertain significance (1 of 4 stars; one submission).

Submission:

GeneDx
Classification: Uncertain significance. Last evaluated: 2024-04-17. Review status: criteria provided, single submitter. Criteria: GeneDx Variant Classification Process June 2021. Collection method: clinical testing. Allele origin: germline. Affected: yes.
Comment: Not observed at significant frequency in large population cohorts (gnomAD); In silico analysis supports that this missense variant does not alter protein structure/function; Has not been previously published as pathogenic or benign to our knowledge